The following is an entry in ClinVar:

NM_024408.4(NOTCH2):c.3011A>G (p.Asp1004Gly)

Gene: NOTCH2 (notch receptor 2; minus strand). Cytogenetic location: 1p12.
Variant type: single nucleotide variant.
Coding change: c.3011A>G on transcript NM_024408.4 (MANE Select); coding-DNA position 3011, A replaced by G.
Protein change: p.Asp1004Gly; replaces aspartic acid 1004 with glycine.
Molecular consequence: missense variant.
Genome position (GRCh38, 1-based): chr1:119,940,727, T>C on the plus strand (A>G on the coding strand, the complement: NOTCH2 is on the minus strand). VCF-style: chr1-119940727-T-C. GRCh37 (hg19) VCF-style: chr1-120483350-T-C.
Other names: c.3011A>G, p.Asp1004Gly (NM_001200001.2); short protein forms D1004G.
Identifiers: ClinVar variation 1804831 (VCV001804831.1), dbSNP rs1430097344, ClinGen allele CA341855059.

ClinVar aggregate classification (germline): Uncertain significance (1 of 4 stars; one submission).

Allele frequency attached by ClinVar (database versions not stated): TOPMed below 0.00001.

Submission:

Women's Health and Genetics/Laboratory Corporation of America, LabCorp
Classification: Uncertain significance. Last evaluated: 2022-11-01. Review status: criteria provided, single submitter. Criteria: LabCorp Variant Classification Summary - May 2015. Collection method: clinical testing. Allele origin: germline.
Comment: Variant summary: NOTCH2 c.3011A>G (p.Asp1004Gly) results in a non-conservative amino acid change located in the EGF-like domain (IPR000742) of the encoded protein sequence. Five of five in-silico tools predict a damaging effect of the variant on protein function. The variant was absent in 251392 control chromosomes (gnomAD). The available data on variant occurrences in the general population are insufficient to allow any conclusion about variant significance. To our knowledge, no occurrence of c.3011A>G in individuals affected with Hajdu-Cheney Syndrome and no experimental evidence demonstrating its impact on protein function have been reported. No clinical diagnostic laboratories have submitted clinical-significance assessments for this variant to ClinVar after 2014. Based on the evidence outlined above, the variant was classified as uncertain significance.